The following is an entry in ClinVar:

NM_000286.3(PEX12):c.174del (p.Trp58fs)

Gene: PEX12 (peroxisomal biogenesis factor 12; minus strand). Cytogenetic location: 17q12.
Variant type: Deletion.
Coding change: c.174del on transcript NM_000286.3 (MANE Select); coding-DNA position 174, one base deleted (G; older notation c.174delG).
Protein change: p.Trp58fs; shifts the reading frame from tryptophan 58.
Molecular consequence: frameshift variant.
Genome position (GRCh38, 1-based): chr17:35,577,544, C deleted on the plus strand (G on the coding strand, the reverse complement: PEX12 is on the minus strand); the first of 2 consecutive C bases (chr17:35,577,544-35,577,545); deleting either gives the same sequence. VCF-style (leftmost placement, unchanged base first): chr17-35577543-AC-A. GRCh37 (hg19) VCF-style: chr17-33904562-AC-A.
Other names: short protein forms W58fs.
Identifiers: ClinVar variation 1069956 (VCV001069956.7), dbSNP rs2142231201, ClinGen allele CA2499224289.

ClinVar aggregate classification (germline): Pathogenic (1 of 4 stars; one submission).

Conditions:
Peroxisome biogenesis disorder 3A (Zellweger). Also called: PEROXISOMAL BIOGENESIS DISORDER 3A (ZELLWEGER); Peroxisome biogenesis disorder 3A. Identifiers: Orphanet 912, MedGen C3553929, MONDO:0013927, OMIM 614859.

Submission:

Labcorp Genetics (formerly Invitae), Labcorp
Classification: Pathogenic for Peroxisome biogenesis disorder 3A (Zellweger). Last evaluated: 2023-10-06. Review status: criteria provided, single submitter. Criteria: Invitae Variant Classification Sherloc (09022015). Collection method: clinical testing. Allele origin: germline.
Comment: This sequence change creates a premature translational stop signal (p.Trp58Cysfs*9) in the PEX12 gene. It is expected to result in an absent or disrupted protein product. Loss-of-function variants in PEX12 are known to be pathogenic (PMID: 9090384, 9632816, 21031596). This variant is not present in population databases (gnomAD no frequency). This variant has not been reported in the literature in individuals affected with PEX12-related conditions. ClinVar contains an entry for this variant (Variation ID: 1069956). For these reasons, this variant has been classified as Pathogenic.

Literature cited by the submitters: PubMed 9090384; PubMed 9632816; PubMed 21031596.